The following is an entry in ClinVar:

ClinVar aggregate classification (germline): Uncertain significance (1 of 4 stars; one submission).

Submission:

Labcorp Genetics (formerly Invitae), Labcorp
Classification: Uncertain significance. Last evaluated: 2021-09-03. Review status: criteria provided, single submitter. Criteria: Invitae Variant Classification Sherloc (09022015). Collection method: clinical testing. Allele origin: germline.
Comment: This sequence change replaces valine with leucine at codon 87 of the C2 protein (p.Val87Leu). The valine residue is highly conserved and there is a small physicochemical difference between valine and leucine. This variant is not present in population databases (ExAC no frequency). This variant has not been reported in the literature in individuals affected with C2-related conditions. Algorithms developed to predict the effect of missense changes on protein structure and function are either unavailable or do not agree on the potential impact of this missense change (SIFT: "Deleterious"; PolyPhen-2: "Benign"; Align-GVGD: "Class C0"). In summary, the available evidence is currently insufficient to determine the role of this variant in disease. Therefore, it has been classified as a Variant of Uncertain Significance.

NM_000063.6(C2):c.259G>C (p.Val87Leu)

Gene: C2 (complement C2; plus strand). Cytogenetic location: 6p21.33.
Variant type: single nucleotide variant.
Coding change: c.259G>C on transcript NM_000063.6 (MANE Select); coding-DNA position 259, G replaced by C.
Protein change: p.Val87Leu; replaces valine 87 with leucine.
Molecular consequence: missense variant. On other transcripts: genic upstream transcript variant (2), intron variant (1).
Genome position (GRCh38, 1-based): chr6:31,928,734, G>C. VCF-style: chr6-31928734-G-C. GRCh37 (hg19) VCF-style: chr6-31896511-G-C.
Other names: c.172G>C, p.Val58Leu (NM_001282458.2); c.259G>C, p.Val87Leu (NM_001282459.2); c.-63-4876G>C (NM_001282457.2); c.74-4876G>C (NM_001178063.3); c.46+936G>C (NM_001145903.3); short protein forms V87L, V58L.
Identifiers: ClinVar variation 1429593 (VCV001429593.6), dbSNP rs2151741585, ClinGen allele CA363489918.